The following is an entry in ClinVar:

NM_138393.4(REEP6):c.499dup (p.Ala167fs)

Gene: REEP6 (receptor accessory protein 6; plus strand). Cytogenetic location: 19p13.3.
Variant type: Duplication.
Coding change: c.499dup on transcript NM_138393.4 (MANE Select); coding-DNA position 499, one base duplicated (G; older notation c.499dupG).
Protein change: p.Ala167fs; shifts the reading frame from alanine 167.
Molecular consequence: frameshift variant.
Genome position (GRCh38, 1-based): chr19:1,496,435, G duplicated; the last of 2 consecutive G bases (chr19:1,496,434-1,496,435); duplicating either gives the same sequence. VCF-style (leftmost placement, unchanged base first): chr19-1496433-C-CG. GRCh37 (hg19) VCF-style: chr19-1496432-C-CG.
Other names: c.499dup, p.Ala167fs (NM_001329556.3); short protein forms A167fs.
Identifiers: ClinVar variation 1076871 (VCV001076871.9), dbSNP rs2145479013, ClinGen allele CA2499225416.

ClinVar aggregate classification (germline): Pathogenic (1 of 4 stars; one submission).

Submission:

Labcorp Genetics (formerly Invitae), Labcorp
Classification: Pathogenic. Last evaluated: 2024-02-20. Review status: criteria provided, single submitter. Criteria: Invitae Variant Classification Sherloc (09022015). Collection method: clinical testing. Allele origin: germline.
Comment: This sequence change creates a premature translational stop signal (p.Ala167Glyfs*14) in the REEP6 gene. It is expected to result in an absent or disrupted protein product. Loss-of-function variants in REEP6 are known to be pathogenic (PMID: 27889058, 29120066). This variant is not present in population databases (gnomAD no frequency). This variant has not been reported in the literature in individuals affected with REEP6-related conditions. ClinVar contains an entry for this variant (Variation ID: 1076871). For these reasons, this variant has been classified as Pathogenic.

Literature cited by the submitters: PubMed 27889058; PubMed 29120066.